The following is an entry in ClinVar:

NM_016239.4(MYO15A):c.2681C>T (p.Pro894Leu)

Gene: MYO15A (myosin XVA; plus strand). Cytogenetic location: 17p11.2.
Variant type: single nucleotide variant.
Coding change: c.2681C>T on transcript NM_016239.4 (MANE Select); coding-DNA position 2681, C replaced by T.
Protein change: p.Pro894Leu; replaces proline 894 with leucine.
Molecular consequence: missense variant.
Genome position (GRCh38, 1-based): chr17:18,121,481, C>T. VCF-style: chr17-18121481-C-T. GRCh37 (hg19) VCF-style: chr17-18024795-C-T.
Other names: short protein forms P894L.
Identifiers: ClinVar variation 1969313 (VCV001969313.2), dbSNP rs1288461096, ClinGen allele CA398585024.

ClinVar aggregate classification (germline): Uncertain significance (1 of 4 stars; one submission).

Allele frequency attached by ClinVar (database versions not stated): gnomAD 0.00001; gnomAD exomes 0.00001; TOPMed 0.00001.
gnomAD v4.1: 17 of 1,550,758 alleles (0.0011%); highest among the groups gnomAD compares: East Asian, 0.034%; no homozygotes.

Submission:

Labcorp Genetics (formerly Invitae), Labcorp
Classification: Uncertain significance. Last evaluated: 2022-03-31. Review status: criteria provided, single submitter. Criteria: Invitae Variant Classification Sherloc (09022015). Collection method: clinical testing. Allele origin: germline.
Comment: This sequence change replaces proline, which is neutral and non-polar, with leucine, which is neutral and non-polar, at codon 894 of the MYO15A protein (p.Pro894Leu). The frequency data for this variant in the population databases is considered unreliable, as metrics indicate poor data quality at this position in the gnomAD database. This variant has not been reported in the literature in individuals affected with MYO15A-related conditions. Advanced modeling of protein sequence and biophysical properties (such as structural, functional, and spatial information, amino acid conservation, physicochemical variation, residue mobility, and thermodynamic stability) performed at Invitae indicates that this missense variant is not expected to disrupt MYO15A protein function. In summary, the available evidence is currently insufficient to determine the role of this variant in disease. Therefore, it has been classified as a Variant of Uncertain Significance.